The following is an entry in ClinVar:

ClinVar aggregate classification (germline): Conflicting classifications of pathogenicity. Review status: criteria provided, conflicting classifications (1 of 4 stars). 9 submissions from 9 submitters: Uncertain significance (3); Benign (2); Likely benign (4). Last evaluated 2026-05-02.

Conditions:
EPAS1-related disorder. Also called: EPAS1-related condition.
Erythrocytosis, familial, 4 (ECYT4). Identifiers: Orphanet 247511, MedGen C2673187, MONDO:0012729, OMIM 611783.

Allele frequency attached by ClinVar (database versions not stated): 1000 Genomes Project 30x 0.00187; 1000 Genomes Project 0.00200; ExAC 0.00397; gnomAD exomes 0.00398; gnomAD 0.00447 and 0.00455; TOPMed 0.00469; ESP Exome Variant Server 0.00546.
gnomAD v4.1: 8,614 of 1,614,160 alleles (0.53%); highest among the groups gnomAD compares: Non-Finnish European, 0.62%; 30 homozygotes.

Submissions (9):

PreventionGenetics, part of Exact Sciences
Classification: Likely benign for EPAS1-related condition. Last evaluated: 2026-05-02. Review status: criteria provided, single submitter. Criteria: ACMG Guidelines, 2015. Collection method: clinical testing. Allele origin: germline.
Comment: This variant is classified as likely benign based on ACMG/AMP sequence variant interpretation guidelines (Richards et al. 2015 PMID: 25741868, with internal and published modifications).

CeGaT Center for Human Genetics Tuebingen
Classification: Benign. Last evaluated: 2026-03-01. Review status: criteria provided, single submitter. Criteria: CeGaT Center For Human Genetics Tuebingen Variant Classification Criteria Version 2. Collection method: clinical testing. Allele origin: germline. Affected: yes. Observed: 17 variant alleles.
Comment: EPAS1: BS1, BS2

Labcorp Genetics (formerly Invitae), Labcorp
Classification: Benign. Last evaluated: 2026-01-24. Review status: criteria provided, single submitter. Criteria: Invitae Variant Classification Sherloc (09022015). Collection method: clinical testing. Allele origin: germline.

Center for Genomic Medicine, Rigshospitalet, Copenhagen University Hospital
Classification: Uncertain significance. Last evaluated: 2025-12-29. Review status: criteria provided, single submitter. Criteria: ACMG Guidelines, 2015. Collection method: clinical testing. Allele origin: germline.

Mayo Clinic Laboratories, Mayo Clinic
Classification: Uncertain significance. Last evaluated: 2025-08-20. Review status: criteria provided, single submitter. Criteria: ACMG Guidelines, 2015. Collection method: clinical testing. Allele origin: germline. Observed: 1 variant allele.

ARUP Laboratories, Molecular Genetics and Genomics, ARUP Laboratories
Classification: Uncertain significance for Erythrocytosis, familial, 4. Last evaluated: 2025-07-30. Review status: criteria provided, single submitter. Criteria: ARUP Molecular Germline Variant Investigation Process 2024. Collection method: clinical testing. Allele origin: germline.
Comment: The EPAS1 c.1121T>A; p.Phe374Tyr variant (rs150797491, ClinVar Variation ID: 336261) is reported in the literature in multiple unrelated individuals affected with erythrocytosis (Gangat 2022, Karaghiannis 2023, Lorenzo 2013). This variant was inherited from an asymptomatic parent in one of these individuals (Lorenzo 2013) and has also been reported in other asymptomatic patients (Oliveira 2018, Rego 2018). This variant is found in the general population with an overall allele frequency of 0.5% (8614/1,614,160 alleles, including 30 homozygotes) in the Genome Aggregation Database (v4.1.0). Functional analyses of the variant protein are conflicting; two studies demonstrate that this variant results in a gain-of-function effect (Dwight 2021)(Lorenzo 2013), while a third study concluded that this variant was neutral (Karaghiannis 2023). Computational analyses are uncertain whether this variant is neutral or deleterious (REVEL: 0.192). While the high population frequency suggests that this variant may be benign, given the conflicting clinical and functional reports, the significance of this variant remains uncertain at this time. References: Dwight T et al. Functional significance of germline EPAS1 variants. Endocr Relat Cancer. 2021 Feb. PMID: 33300499 Gangat N et al. Erythrocytosis associated with EPAS1(HIF2A), EGLN1(PHD2), VHL, EPOR or BPGM mutations: The Mayo Clinic experience. Haematologica. 2022 May 1. PMID: 35142155 Karaghiannis V et al. Comprehensive in silico and functional studies for classification of EPAS1/HIF2A genetic variants identified in patients with erythrocytosis. Haematologica. 2023 Jan 26. PMID: 36700397 Lorenzo FR et al. A novel EPAS1/HIF2A germline mutation in a congenital polycythemia with paraganglioma. J Mol Med (Berl). 2013 Apr. PMID: 23090011 Oliveira JL et al. Genotype-Phenotype Correlation of Hereditary Erythrocytosis Mutations, a single center experience. Am J Hematol. 2018 May 23. PMID: 29790589 Rego S et al. High-frequency actionable pathogenic exome variants in an average-risk cohort. Cold Spring Harb Mol Case Stud. 2018 Dec. PMID: 30487145

Blueprint Genetics
Classification: Likely benign. Last evaluated: 2024-11-25. Review status: criteria provided, single submitter. Criteria: ACMG Guidelines, 2015. Collection method: clinical testing. Allele origin: germline.

Mendelics
Classification: Likely benign for Erythrocytosis, familial, 4. Last evaluated: 2024-04-09. Review status: criteria provided, single submitter. Criteria: ACMG Guidelines, 2015. Collection method: clinical testing. Allele origin: unknown.

Illumina Laboratory Services, Illumina
Classification: Likely benign for Erythrocytosis, familial, 4. Last evaluated: 2017-04-27. Review status: criteria provided, single submitter. Criteria: ICSL Variant Classification Criteria 13 December 2019. Collection method: clinical testing. Allele origin: germline.
Comment: This variant was observed as part of a predisposition screen in an ostensibly healthy population. A literature search was performed for the gene, cDNA change, and amino acid change (where applicable). No publications were found based on this search. Allele frequency data from public databases allowed determination this variant is unlikely to cause disease. Therefore, this variant is classified as likely benign.

NM_001430.5(EPAS1):c.1121T>A (p.Phe374Tyr)

Gene: EPAS1 (endothelial PAS domain protein 1; plus strand). Cytogenetic location: 2p21.
Variant type: single nucleotide variant.
Coding change: c.1121T>A on transcript NM_001430.5 (MANE Select); coding-DNA position 1121, T replaced by A.
Protein change: p.Phe374Tyr; replaces phenylalanine 374 with tyrosine.
Molecular consequence: missense variant.
Genome position (GRCh38, 1-based): chr2:46,376,625, T>A. VCF-style: chr2-46376625-T-A. GRCh37 (hg19) VCF-style: chr2-46603764-T-A.
Other names: p.Phe374Tyr; short protein forms F374Y.
Identifiers: ClinVar variation 336261 (VCV000336261.44), dbSNP rs150797491, ClinGen allele CA1644891.
Genomic context (GRCh38, chr2:46,376,625, plus strand): 5'-TCTCCATGGACCAGACTGAATCCCTGTTCAAGCCCCACCTGATGGCCATGAACAGCATCT[T>A]TGATAGCAGTGGCAAGGGGGCTGTGTCTGAGAAGAGTAACTTCCTATTCACCAAGCTAAA-3'
Protein context (NP_001421.2, residues 364-384): KPHLMAMNSI[Phe374Tyr]DSSGKGAVSE